The following is an entry in ClinVar:

NM_002439.5(MSH3):c.2591A>T (p.His864Leu)

Gene: MSH3 (mutS homolog 3; plus strand). Cytogenetic location: 5q14.1.
Variant type: single nucleotide variant.
Coding change: c.2591A>T on transcript NM_002439.5 (MANE Select); coding-DNA position 2591, A replaced by T.
Protein change: p.His864Leu; replaces histidine 864 with leucine.
Molecular consequence: missense variant.
Genome position (GRCh38, 1-based): chr5:80,792,780, A>T. VCF-style: chr5-80792780-A-T. GRCh37 (hg19) VCF-style: chr5-80088599-A-T.
Other names: short protein forms H864L.
Identifiers: ClinVar variation 2763345 (VCV002763345.3), dbSNP rs35196236, ClinGen allele CA121296554.
Genomic context (GRCh38, chr5:80,792,780, plus strand): 5'-TTCTTTTTTGCAGACCAACTGTACAAGAAGAAAGAAAAATTGTAATAAAAAATGGAAGGC[A>T]CCCTGTGATTGATGTGTTGCTGGGAGAACAGGATCAATATGTCCCAAATAATACAGATTT-3'
Protein context (NP_002430.3, residues 854-874): ERKIVIKNGR[His864Leu]PVIDVLLGEQ

ClinVar aggregate classification (germline): Uncertain significance (1 of 4 stars; one submission).

Submission:

Labcorp Genetics (formerly Invitae), Labcorp
Classification: Uncertain significance. Last evaluated: 2024-01-19. Review status: criteria provided, single submitter. Criteria: Invitae Variant Classification Sherloc (09022015). Collection method: clinical testing. Allele origin: germline.
Comment: This sequence change replaces histidine, which is basic and polar, with leucine, which is neutral and non-polar, at codon 864 of the MSH3 protein (p.His864Leu). This variant is not present in population databases (gnomAD no frequency). This variant has not been reported in the literature in individuals affected with MSH3-related conditions. An algorithm developed to predict the effect of missense changes on protein structure and function (PolyPhen-2) suggests that this variant is likely to be disruptive. In summary, the available evidence is currently insufficient to determine the role of this variant in disease. Therefore, it has been classified as a Variant of Uncertain Significance.